The following is an entry in ClinVar:

ClinVar aggregate classification (germline): Uncertain significance (1 of 4 stars; one submission).

Allele frequency attached by ClinVar (database versions not stated): TOPMed below 0.00001; gnomAD 0.00001.
gnomAD v4.1: 1 of 1,598,534 alleles (0.000063%); highest among the groups gnomAD compares: Non-Finnish European, 0.000085%; no homozygotes.

Submission:

Labcorp Genetics (formerly Invitae), Labcorp
Classification: Uncertain significance. Last evaluated: 2023-11-27. Review status: criteria provided, single submitter. Criteria: Invitae Variant Classification Sherloc (09022015). Collection method: clinical testing. Allele origin: germline.
Comment: This sequence change replaces glycine, which is neutral and non-polar, with arginine, which is basic and polar, at codon 112 of the CLUAP1 protein (p.Gly112Arg). This variant is not present in population databases (gnomAD no frequency). This variant has not been reported in the literature in individuals affected with CLUAP1-related conditions. ClinVar contains an entry for this variant (Variation ID: 1419245). Advanced modeling of protein sequence and biophysical properties (such as structural, functional, and spatial information, amino acid conservation, physicochemical variation, residue mobility, and thermodynamic stability) performed at Invitae indicates that this missense variant is not expected to disrupt CLUAP1 protein function with a negative predictive value of 80%. In summary, the available evidence is currently insufficient to determine the role of this variant in disease. Therefore, it has been classified as a Variant of Uncertain Significance.

NM_015041.3(CLUAP1):c.334G>A (p.Gly112Arg)

Gene: CLUAP1 (clusterin associated protein 1; plus strand). Cytogenetic location: 16p13.3.
Variant type: single nucleotide variant.
Coding change: c.334G>A on transcript NM_015041.3 (MANE Select); coding-DNA position 334, G replaced by A.
Protein change: p.Gly112Arg; replaces glycine 112 with arginine.
Molecular consequence: missense variant.
Genome position (GRCh38, 1-based): chr16:3,508,403, G>A. VCF-style: chr16-3508403-G-A. GRCh37 (hg19) VCF-style: chr16-3558403-G-A.
Other names: c.334G>A, p.Gly112Arg (NM_001330454.2); short protein forms G112R.
Identifiers: ClinVar variation 1419245 (VCV001419245.6), dbSNP rs918143214, ClinGen allele CA276924760.